The following is an entry in ClinVar:

ClinVar aggregate classification (germline): Likely benign (0 of 4 stars; one submission).

Conditions:
EPHB2-related disorder. Also called: EPHB2-related condition.

Submission:

PreventionGenetics, part of Exact Sciences
Classification: Likely benign for EPHB2-related condition. Last evaluated: 2019-08-13. Review status: no assertion criteria provided. Collection method: clinical testing. Allele origin: germline.
Comment: This variant is classified as likely benign based on ACMG/AMP sequence variant interpretation guidelines (Richards et al. 2015 PMID: 25741868, with internal and published modifications).

NM_017449.5(EPHB2):c.654G>T (p.Ser218=)

Gene: EPHB2 (EPH receptor B2; plus strand). Cytogenetic location: 1p36.12.
Variant type: single nucleotide variant.
Coding change: c.654G>T on transcript NM_017449.5 (MANE Select); coding-DNA position 654, G replaced by T.
Protein change: p.Ser218=; no amino-acid change (serine 218 retained).
Molecular consequence: synonymous variant.
Genome position (GRCh38, 1-based): chr1:22,784,919, G>T. VCF-style: chr1-22784919-G-T. GRCh37 (hg19) VCF-style: chr1-23111412-G-T.
Other names: c.654G>T, p.Ser218= (NM_001309192.2, NM_001309193.2, NM_004442.7).
Identifiers: ClinVar variation 3053272 (VCV003053272.2), dbSNP rs149351655, ClinGen allele CA416693016.